The following is an entry in ClinVar:

ClinVar aggregate classification (germline): Benign/Likely benign. Review status: criteria provided, multiple submitters, no conflicts (2 of 4 stars). 7 submissions from 7 submitters: Benign (6); Likely benign (1). Last evaluated 2026-02-04.

Conditions:
Mendelian susceptibility to mycobacterial diseases due to complete IL12RB1 deficiency. Also called: IL12RB1 DEFICIENCY; Immunodeficiency 30. Identifiers: Orphanet 319552, MedGen C4013949, MONDO:0013955, OMIM 614891.

Allele frequency attached by ClinVar (database versions not stated): 1000 Genomes Project 30x 0.26749; 1000 Genomes Project 0.26857; TOPMed 0.28442; gnomAD exomes 0.28724 and 0.31050; ExAC 0.28942; ESP Exome Variant Server 0.29341; gnomAD 0.29500 and 0.29555.
gnomAD v4.1: 498,097 of 1,612,186 alleles (31%); highest among the groups gnomAD compares: East Asian, 39%; 78,539 homozygotes.

Submissions (7):

Labcorp Genetics (formerly Invitae), Labcorp
Classification: Benign for Mendelian susceptibility to mycobacterial diseases due to complete IL12RB1 deficiency. Last evaluated: 2026-02-04. Review status: criteria provided, single submitter. Criteria: Invitae Variant Classification Sherloc (09022015). Collection method: clinical testing. Allele origin: germline.

Blueprint Genetics
Classification: Likely benign. Last evaluated: 2024-11-28. Review status: criteria provided, single submitter. Criteria: ACMG Guidelines, 2015. Collection method: clinical testing. Allele origin: germline.

Unidad de Genómica Garrahan, Hospital de Pediatría Garrahan
Classification: Benign. Last evaluated: 2024-01-24. Review status: criteria provided, single submitter. Criteria: ACMG Guidelines, 2015. Collection method: clinical testing. Allele origin: germline. Affected: no. Observed: 31 variant alleles.
Comment: This variant is classified as Benign based on local population frequency. This variant was detected in 35% of patients studied by a panel of primary immunodeficiencies. Number of patients: 31. Only high quality variants are reported.

Genome-Nilou Lab
Classification: Benign for Mendelian susceptibility to mycobacterial diseases due to complete IL12RB1 deficiency. Last evaluated: 2021-08-19. Review status: criteria provided, single submitter. Criteria: ACMG Guidelines, 2015. Collection method: clinical testing. Allele origin: germline. Affected: no.

Illumina Laboratory Services, Illumina
Classification: Benign for Mendelian susceptibility to mycobacterial diseases due to complete IL12RB1 deficiency. Last evaluated: 2018-03-06. Review status: criteria provided, single submitter. Criteria: ICSL Variant Classification Criteria 13 December 2019. Collection method: clinical testing. Allele origin: germline.
Comment: This variant was observed in the ICSL laboratory as part of a predisposition screen in an ostensibly healthy population. It had not been previously curated by ICSL or reported in the Human Gene Mutation Database (HGMD: prior to June 1st, 2018), and was therefore a candidate for classification through an automated scoring system. Utilizing variant allele frequency, disease prevalence and penetrance estimates, and inheritance mode, an automated score was calculated to assess if this variant is too frequent to cause the disease. Based on the score and internal cut-off values, a variant classified as benign is not then subjected to further curation. The score for this variant resulted in a classification of benign for this disease.

Laboratory for Molecular Medicine, Mass General Brigham Personalized Medicine
Classification: Benign. Last evaluated: 2016-03-29. Review status: criteria provided, single submitter. Criteria: LMM Criteria. Collection method: clinical testing. Allele origin: germline.
Comment: Variant identified in a genome or exome case(s) and assessed due to predicted null impact of the variant or pathogenic assertions in the literature or databases. Disclaimer: This variant has not undergone full assessment. The following are preliminary notes: Frequency, variant associated with tuberculosis susceptibility

Breakthrough Genomics
Classification: Benign. Review status: criteria provided, single submitter. Criteria: ACMG Guidelines, 2015. Collection method: not provided. Allele origin: germline. Inheritance: Autosomal recessive inheritance. Affected: yes.

NM_005535.3(IL12RB1):c.1094T>C (p.Met365Thr)

Gene: IL12RB1 (interleukin 12 receptor subunit beta 1; minus strand). Cytogenetic location: 19p13.11.
Variant type: single nucleotide variant.
Coding change: c.1094T>C on transcript NM_005535.3 (MANE Select); coding-DNA position 1094, T replaced by C.
Protein change: p.Met365Thr; replaces methionine 365 with threonine.
Molecular consequence: missense variant.
Genome position (GRCh38, 1-based): chr19:18,069,641, A>G on the plus strand (T>C on the coding strand, the complement: IL12RB1 is on the minus strand). VCF-style: chr19-18069641-A-G. GRCh37 (hg19) VCF-style: chr19-18180451-A-G.
Other names: c.1094T>C, p.Met365Thr (NM_001290023.2); c.1214T>C, p.Met405Thr (NM_001290024.2); short protein forms M365T, M405T.
Identifiers: ClinVar variation 328588 (VCV000328588.22), dbSNP rs375947, ClinGen allele CA9304962.